The following is an entry in ClinVar:

ClinVar aggregate classification (germline): Uncertain significance. Review status: criteria provided, multiple submitters, no conflicts (2 of 4 stars). 2 submissions from 2 submitters: Uncertain significance (2). Last evaluated 2023-06-12.

Conditions:
Christianson syndrome (MRXSCH). Also called: X-linked mental retardation, syndromic, Christianson type; INTELLECTUAL DEVELOPMENTAL DISORDER, X-LINKED, SYNDROMIC, CHRISTIANSON TYPE; SLC9A6-Related Syndromic Mental Retardation. Identifiers: Orphanet 85278, MedGen C2678194, MONDO:0010278, OMIM 300243.
Inborn genetic diseases. Identifiers: MedGen C0950123, MeSH D030342.

Allele frequency attached by ClinVar (database versions not stated): gnomAD exomes below 0.00001; TOPMed below 0.00001; gnomAD 0.00001.
gnomAD v4.1: 3 of 1,206,475 alleles (0.00025%); highest among the groups gnomAD compares: African/African-American, 0.0035%; no homozygotes.

Submissions (2):

Labcorp Genetics (formerly Invitae), Labcorp
Classification: Uncertain significance for Christianson syndrome. Last evaluated: 2023-06-12. Review status: criteria provided, single submitter. Criteria: Invitae Variant Classification Sherloc (09022015). Collection method: clinical testing. Allele origin: germline.
Comment: In summary, the available evidence is currently insufficient to determine the role of this variant in disease. Therefore, it has been classified as a Variant of Uncertain Significance. This sequence change replaces aspartic acid, which is acidic and polar, with glycine, which is neutral and non-polar, at codon 245 of the SLC9A6 protein (p.Asp245Gly). This variant is present in population databases (no rsID available, gnomAD 0.008%), including at least one homozygous and/or hemizygous individual. This variant has not been reported in the literature in individuals affected with SLC9A6-related conditions. ClinVar contains an entry for this variant (Variation ID: 1758436). Advanced modeling of protein sequence and biophysical properties (such as structural, functional, and spatial information, amino acid conservation, physicochemical variation, residue mobility, and thermodynamic stability) performed at Invitae indicates that this missense variant is expected to disrupt SLC9A6 protein function.

Ambry Genetics
Classification: Uncertain significance for Inborn genetic diseases. Last evaluated: 2019-06-06. Review status: criteria provided, single submitter. Criteria: Ambry Variant Classification Scheme 2023. Collection method: clinical testing. Allele origin: germline.
Comment: The p.D245G variant (also known as c.734A>G), located in coding exon 6 of the SLC9A6 gene, results from an A to G substitution at nucleotide position 734. The aspartic acid at codon 245 is replaced by glycine, an amino acid with similar properties. This amino acid position is highly conserved in available vertebrate species. In addition, the in silico prediction for this alteration is inconclusive. Since supporting evidence is limited at this time, the clinical significance of this alteration remains unclear.

NM_001379110.1(SLC9A6):c.674A>G (p.Asp225Gly)

Gene: SLC9A6 (solute carrier family 9 member A6; plus strand). Cytogenetic location: Xq26.3.
Variant type: single nucleotide variant.
Coding change: c.674A>G on transcript NM_001379110.1 (MANE Select); coding-DNA position 674, A replaced by G.
Protein change: p.Asp225Gly; replaces aspartic acid 225 with glycine.
Molecular consequence: missense variant.
Genome position (GRCh38, 1-based): chrX:136,002,144, A>G. VCF-style: chrX-136002144-A-G. GRCh37 (hg19) VCF-style: chrX-135084303-A-G.
Other names: c.830A>G, p.Asp277Gly (NM_001042537.2); c.674A>G, p.Asp225Gly (NM_001177651.2, NM_001400909.1, NM_001400910.1 and 2 more transcripts); c.578A>G, p.Asp193Gly (NM_001330652.2, NM_001400913.1); c.734A>G, p.Asp245Gly (NM_006359.3); short protein forms D245G, D193G, D277G, D225G.
Identifiers: ClinVar variation 1758436 (VCV001758436.7), dbSNP rs1248694142, ClinGen allele CA414750405.